The following is an entry in ClinVar:

ClinVar aggregate classification (germline): Uncertain significance. Review status: criteria provided, multiple submitters, no conflicts (2 of 4 stars). 2 submissions from 2 submitters: Uncertain significance (2). Last evaluated 2025-11-08.

Conditions:
Inborn genetic diseases. Identifiers: MedGen C0950123, MeSH D030342.
ALG9 congenital disorder of glycosylation (CDG1L). Also called: ALG9-CDG; CDG Il; CONGENITAL DISORDER OF GLYCOSYLATION, TYPE Il. Identifiers: Orphanet 79328, MedGen C2931006, MONDO:0012117, OMIM 608776.

Allele frequency attached by ClinVar (database versions not stated): gnomAD 0.00001.
gnomAD v4.1: 19 of 1,614,060 alleles (0.0012%); highest among the groups gnomAD compares: Non-Finnish European, 0.0015%; no homozygotes.

Submissions (2):

Labcorp Genetics (formerly Invitae), Labcorp
Classification: Uncertain significance for ALG9 congenital disorder of glycosylation. Last evaluated: 2025-11-08. Review status: criteria provided, single submitter. Criteria: Invitae Variant Classification Sherloc (09022015). Collection method: clinical testing. Allele origin: germline.
Comment: This sequence change replaces serine, which is neutral and polar, with cysteine, which is neutral and slightly polar, at codon 520 of the ATP6V0A2 protein (p.Ser520Cys). This variant is not present in population databases (gnomAD no frequency). This variant has not been reported in the literature in individuals affected with ATP6V0A2-related conditions. ClinVar contains an entry for this variant (Variation ID: 2391961). Invitae Evidence Modeling of protein sequence and biophysical properties (such as structural, functional, and spatial information, amino acid conservation, physicochemical variation, residue mobility, and thermodynamic stability) indicates that this missense variant is expected to disrupt ATP6V0A2 protein function with a positive predictive value of 80%. In summary, the available evidence is currently insufficient to determine the role of this variant in disease. Therefore, it has been classified as a Variant of Uncertain Significance.

Ambry Genetics
Classification: Uncertain significance for Inborn genetic diseases. Last evaluated: 2025-05-15. Review status: criteria provided, single submitter. Criteria: Ambry Variant Classification Scheme 2023. Collection method: clinical testing. Allele origin: germline.

NM_012463.4(ATP6V0A2):c.1558A>T (p.Ser520Cys)

Gene: ATP6V0A2 (ATPase H+ transporting V0 subunit a2; plus strand). Cytogenetic location: 12q24.31.
Variant type: single nucleotide variant.
Coding change: c.1558A>T on transcript NM_012463.4 (MANE Select); coding-DNA position 1558, A replaced by T.
Protein change: p.Ser520Cys; replaces serine 520 with cysteine.
Molecular consequence: missense variant.
Genome position (GRCh38, 1-based): chr12:123,744,925, A>T. VCF-style: chr12-123744925-A-T. GRCh37 (hg19) VCF-style: chr12-124229472-A-T.
Other names: short protein forms S520C.
Identifiers: ClinVar variation 2391961 (VCV002391961.5), dbSNP rs200768640, ClinGen allele CA245200981.
Genomic context (GRCh38, chr12:123,744,925, plus strand): 5'-TCTGCTTTTTGTTACAGTGACAGCGTCGTTAGACACAACAGCATTTTGCAGCTGGATCCA[A>T]GCATTCCTGGAGTGTTCCGAGGCCCTTATCCCCTTGGCATTGATCCTGTGAGTGCACCAC-3'
Protein context (NP_036595.2, residues 510-530): RHNSILQLDP[Ser520Cys]IPGVFRGPYP